The following is an entry in ClinVar:

NM_004999.4(MYO6):c.1770+21G>T

Gene: MYO6 (myosin VI; plus strand). Cytogenetic location: 6q14.1.
Variant type: single nucleotide variant.
Coding change: c.1770+21G>T on transcript NM_004999.4 (MANE Select); 21 bases into the intron after coding-DNA position 1770, G replaced by T.
Molecular consequence: intron variant.
Genome position (GRCh38, 1-based): chr6:75,866,642, G>T. VCF-style: chr6-75866642-G-T. GRCh37 (hg19) VCF-style: chr6-76576359-G-T.
Other names: c.1770+21G>T (NM_001368865.1, NM_001368866.1, NM_001368137.1 and 2 more transcripts); c.1755+21G>T (NM_001368138.1).
Identifiers: ClinVar variation 673893 (VCV000673893.1), dbSNP rs368430877, ClinGen allele CA3897205.

ClinVar aggregate classification (germline): Likely benign (1 of 4 stars; one submission).

Allele frequency attached by ClinVar (database versions not stated): ESP Exome Variant Server 0.00023; TOPMed 0.00024; gnomAD 0.00025 and 0.00061; gnomAD exomes 0.00106 and 0.00186; ExAC 0.00216; 1000 Genomes Project 30x 0.00312; 1000 Genomes Project 0.00339.
gnomAD v4.1: 1,607 of 1,585,760 alleles (0.1%); highest among the groups gnomAD compares: South Asian, 1.4%; 26 homozygotes.

Submission:

GeneDx
Classification: Likely benign. Last evaluated: 2018-06-16. Review status: criteria provided, single submitter. Criteria: GeneDx Variant Classification (06012015). Collection method: clinical testing. Allele origin: germline. Affected: yes.
Comment: This variant is considered likely benign or benign based on one or more of the following criteria: it is a conservative change, it occurs at a poorly conserved position in the protein, it is predicted to be benign by multiple in silico algorithms, and/or has population frequency not consistent with disease.